The following is an entry in ClinVar:

NM_001370466.1(NOD2):c.2633+3A>C

Gene: NOD2 (nucleotide binding oligomerization domain containing 2; plus strand). Cytogenetic location: 16q12.1.
Variant type: single nucleotide variant.
Coding change: c.2633+3A>C on transcript NM_001370466.1 (MANE Select); 3 bases into the intron after coding-DNA position 2633, A replaced by C.
Molecular consequence: intron variant.
Genome position (GRCh38, 1-based): chr16:50,720,011, A>C. VCF-style: chr16-50720011-A-C. GRCh37 (hg19) VCF-style: chr16-50753922-A-C.
Other names: c.2714+3A>C (NM_022162.3); c.2633+3A>C (NM_001293557.2).
Identifiers: ClinVar variation 1047262 (VCV001047262.7), dbSNP rs767535551, ClinGen allele CA8051935.

ClinVar aggregate classification (germline): Uncertain significance (1 of 4 stars; one submission).

Conditions:
Blau syndrome (BLAUS). Also called: ARTHROCUTANEOUVEAL GRANULOMATOSIS; GRANULOMATOSIS, FAMILIAL JUVENILE SYSTEMIC; GRANULOMATOSIS, FAMILIAL, BLAU TYPE; GRANULOMATOUS INFLAMMATORY ARTHRITIS, DERMATITIS, AND UVEITIS, FAMILIAL; JABS SYNDROME. Identifiers: Orphanet 90340, MedGen C5201146, MONDO:0008523, OMIM 186580.
Regional enteritis. Also called: Enteritis, Granulomatous. Identifiers: MedGen C0678202, MeSH D003424.

Allele frequency attached by ClinVar (database versions not stated): gnomAD below 0.00001 and 0.00001; TOPMed below 0.00001; gnomAD exomes 0.00002 and 0.00005; ExAC 0.00007.
gnomAD v4.1: 37 of 1,613,404 alleles (0.0023%); highest among the groups gnomAD compares: South Asian, 0.037%; no homozygotes.

Submission:

Labcorp Genetics (formerly Invitae), Labcorp
Classification: Uncertain significance for Regional enteritis; Blau syndrome. Last evaluated: 2025-01-11. Review status: criteria provided, single submitter. Criteria: Invitae Variant Classification Sherloc (09022015). Collection method: clinical testing. Allele origin: germline.
Comment: This sequence change falls in intron 7 of the NOD2 gene. It does not directly change the encoded amino acid sequence of the NOD2 protein. It affects a nucleotide within the consensus splice site. This variant is present in population databases (rs767535551, gnomAD 0.04%), and has an allele count higher than expected for a pathogenic variant. This variant has not been reported in the literature in individuals affected with NOD2-related conditions. ClinVar contains an entry for this variant (Variation ID: 1047262). Variants that disrupt the consensus splice site are a relatively common cause of aberrant splicing (PMID: 17576681, 9536098). Algorithms developed to predict the effect of sequence changes on RNA splicing suggest that this variant may disrupt the consensus splice site. In summary, the available evidence is currently insufficient to determine the role of this variant in disease. Therefore, it has been classified as a Variant of Uncertain Significance.

Literature cited by the submitters: PubMed 17576681; PubMed 9536098.